The following is an entry in ClinVar:

ClinVar aggregate classification (germline): Uncertain significance (1 of 4 stars; one submission).

Submission:

Ambry Genetics
Classification: Uncertain significance. Last evaluated: 2024-09-30. Review status: criteria provided, single submitter. Criteria: Ambry Variant Classification Scheme 2023. Collection method: clinical testing. Allele origin: germline.
Comment: The p.N189I variant (also known as c.566A>T), located in coding exon 3 of the GALNT12 gene, results from an A to T substitution at nucleotide position 566. The asparagine at codon 189 is replaced by isoleucine, an amino acid with dissimilar properties. This amino acid position is not well conserved in available vertebrate species. In addition, this alteration is predicted to be tolerated by in silico analysis. Since supporting evidence is limited at this time, the clinical significance of this alteration remains unclear.

NM_024642.5(GALNT12):c.566A>T (p.Asn189Ile)

Gene: GALNT12 (polypeptide N-acetylgalactosaminyltransferase 12; plus strand). Cytogenetic location: 9q22.33.
Variant type: single nucleotide variant.
Coding change: c.566A>T on transcript NM_024642.5 (MANE Select); coding-DNA position 566, A replaced by T.
Protein change: p.Asn189Ile; replaces asparagine 189 with isoleucine.
Molecular consequence: missense variant.
Genome position (GRCh38, 1-based): chr9:98,826,776, A>T. VCF-style: chr9-98826776-A-T. GRCh37 (hg19) VCF-style: chr9-101589058-A-T.
Other names: short protein forms N189I.
Identifiers: ClinVar variation 1748946 (VCV001748946.3), dbSNP rs183981750, ClinGen allele CA374217322.
Genomic context (GRCh38, chr9:98,826,776, plus strand): 5'-TCACGGTGACCCCTGTTGCTTTGTTTGCCTCCCTAGAGCACCTGAAGGAGCGCTTGGCCA[A>T]TGAGCTTTCGGGACTGCCCAAGGTGCGCCTGATCCGCGCCAACAAGAGAGAGGGCCTGGT-3'
Protein context (NP_078918.3, residues 179-199): DREHLKERLA[Asn189Ile]ELSGLPKVRL